The following is an entry in ClinVar:

ClinVar aggregate classification (germline): Likely pathogenic (1 of 4 stars; one submission).

Submission:

Genetic Services Laboratory, University of Chicago
Classification: Likely pathogenic. Last evaluated: 2019-06-21. Review status: criteria provided, single submitter. Criteria: ACMG Guidelines, 2015. Collection method: clinical testing. Allele origin: germline. Affected: yes.
Comment: DNA sequence analysis of the NAF1 gene demonstrated a sequence change located in the canonical splice donor site in intron 7, c.1033+1G>T. This sequence change does not appear to have been previously described in patients with NAF1-related disorders; however, other truncating sequence changes in exon 7 have been described in patients with NAF1-related telomere biology disorders (PMID: 27510903). The c.1033+1G>T sequence change is absent from large population databases (ExAC and gnomAD). This likely pathogenic sequence change is predicted to affect normal splicing of the NAF1 gene and result in an abnormal protein. These collective evidences indicate that this sequence change is likely pathogenic, however, functional studies have not been completed to prove this conclusively.

NM_138386.3(NAF1):c.1033+1G>T

Gene: NAF1 (nuclear assembly factor 1 ribonucleoprotein; minus strand). Cytogenetic location: 4q32.2.
Variant type: single nucleotide variant.
Coding change: c.1033+1G>T on transcript NM_138386.3 (MANE Select); the canonical splice donor site of the intron after coding-DNA position 1033, G replaced by T.
Molecular consequence: splice donor variant.
Genome position (GRCh38, 1-based): chr4:163,133,153, C>A on the plus strand (G>T on the coding strand, the complement: NAF1 is on the minus strand). VCF-style: chr4-163133153-C-A. GRCh37 (hg19) VCF-style: chr4-164054305-C-A.
Other names: c.1033+1G>T (NM_001128931.2).
Identifiers: ClinVar variation 1338525 (VCV001338525.4), dbSNP rs2110894530, ClinGen allele CA358663499.